The following is an entry in ClinVar:

ClinVar aggregate classification (germline): Uncertain significance (1 of 4 stars; one submission).

Conditions:
Cardiovascular phenotype. Identifiers: MedGen CN230736.

Allele frequency attached by ClinVar (database versions not stated): gnomAD exomes below 0.00001; ExAC 0.00001; TOPMed 0.00003; ESP Exome Variant Server 0.00008.
gnomAD v4.1: 9 of 1,546,548 alleles (0.00058%); highest among the groups gnomAD compares: African/African-American, 0.0028%; no homozygotes.

Submission:

Ambry Genetics
Classification: Uncertain significance for Cardiovascular phenotype. Last evaluated: 2025-03-09. Review status: criteria provided, single submitter. Criteria: Ambry Variant Classification Scheme 2023. Collection method: clinical testing. Allele origin: germline.
Comment: The p.H273Q variant (also known as c.819T>A), located in coding exon 9 of the TECRL gene, results from a T to A substitution at nucleotide position 819. The histidine at codon 273 is replaced by glutamine, an amino acid with highly similar properties. This amino acid position is highly conserved in available vertebrate species. In addition, this alteration is predicted to be tolerated by in silico analysis. Since supporting evidence is limited at this time, the clinical significance of this alteration remains unclear.

NM_001010874.5(TECRL):c.819T>A (p.His273Gln)

Gene: TECRL (trans-2,3-enoyl-CoA reductase like; minus strand). Cytogenetic location: 4q13.1.
Variant type: single nucleotide variant.
Coding change: c.819T>A on transcript NM_001010874.5 (MANE Select); coding-DNA position 819, T replaced by A.
Protein change: p.His273Gln; replaces histidine 273 with glutamine.
Molecular consequence: missense variant.
Genome position (GRCh38, 1-based): chr4:64,289,723, A>T on the plus strand (T>A on the coding strand, the complement: TECRL is on the minus strand). VCF-style: chr4-64289723-A-T. GRCh37 (hg19) VCF-style: chr4-65155441-A-T.
Other names: c.819T>A, p.His273Gln (NM_001363796.1); short protein forms H273Q.
Identifiers: ClinVar variation 1762399 (VCV001762399.3), dbSNP rs371504855, ClinGen allele CA2935355.